The following is an entry in ClinVar:

ClinVar aggregate classification (germline): Uncertain significance (1 of 4 stars; one submission).

Conditions:
Cornelia de Lange syndrome 3 (CDLS3). Also called: SMC3-Related Cornelia de Lange Syndrome; CORNELIA DE LANGE SYNDROME 3 WITH OR WITHOUT MIDLINE BRAIN DEFECTS. Identifiers: Orphanet 199, MedGen C1853099, MONDO:0012555, OMIM 610759.

Submission:

OLLIN Analises Genomicas, OLLIN
Classification: Uncertain significance for Cornelia de Lange syndrome 3. Last evaluated: 2026-08-06. Review status: criteria provided, single submitter. Criteria: ACMG Guidelines 2015 PMID 25741868. Collection method: clinical testing. Allele origin: germline. Inheritance: Autosomal dominant inheritance.
Comment: This missense variant, located in exon 24 (of 29), is absent from gnomAD and ClinVar and has not been identified in the literature. In silico analysis is inconclusive regarding the impact of this variant. This variant is located in a region considered to be a mutational hotspot. This gene is constrained for missense variation. According to the currently available evidence, this variant has been classified as uncertain significance (PM1, PM2_P, PP2).

NM_005445.4(SMC3):c.2698A>T (p.Ser900Cys)

Gene: SMC3 (structural maintenance of chromosomes 3; plus strand). Cytogenetic location: 10q25.2.
Variant type: single nucleotide variant.
Coding change: c.2698A>T on transcript NM_005445.4 (MANE Select); coding-DNA position 2698, A replaced by T.
Protein change: p.Ser900Cys; replaces serine 900 with cysteine.
Molecular consequence: missense variant.
Genome position (GRCh38, 1-based): chr10:110,601,690, A>T. VCF-style: chr10-110601690-A-T. GRCh37 (hg19) VCF-style: chr10-112361448-A-T.
Other names: short protein forms S900C.
Identifiers: ClinVar variation 5002702 (VCV005002702.1).